The following is an entry in ClinVar:

ClinVar aggregate classification (germline): Pathogenic (1 of 4 stars; one submission).

Conditions:
Usher syndrome type 1 (USH1). Also called: RETINITIS PIGMENTOSA AND CONGENITAL DEAFNESS. Identifiers: Orphanet 231169, Orphanet 886, MedGen C1568247, MONDO:0010168, OMIM 276900.

Submission:

Myriad Genetics, Inc.
Classification: Pathogenic for Usher syndrome type 1. Last evaluated: 2024-12-15. Review status: criteria provided, single submitter. Criteria: Myriad Autosomal Dominant, Autosomal Recessive and X-Linked Classification Criteria (2023). Collection method: clinical testing. Allele origin: unknown.
Comment: NM_000260.3(MYO7A):c.2626G>T(E876*) is expected to be pathogenic in the context of MYO7A-related disorders. This variant is predicted to lead to an abnormal or absent protein product due to the creation of a premature termination codon in MYO7A, a gene where loss-of-function variants are known to be pathogenic. Please note: this variant was assessed in the context of healthy population screening.

NM_000260.4(MYO7A):c.2626G>T (p.Glu876Ter)

Gene: MYO7A (myosin VIIA; plus strand). Cytogenetic location: 11q13.5.
Variant type: single nucleotide variant.
Coding change: c.2626G>T on transcript NM_000260.4 (MANE Select); coding-DNA position 2626, G replaced by T.
Protein change: p.Glu876Ter; replaces glutamic acid 876 with a stop codon.
Molecular consequence: nonsense.
Genome position (GRCh38, 1-based): chr11:77,180,413, G>T. VCF-style: chr11-77180413-G-T. GRCh37 (hg19) VCF-style: chr11-76891459-G-T.
Other names: c.2626G>T, p.Glu876Ter (NM_001127180.2); c.2593G>T, p.Glu865Ter (NM_001369365.1); short protein forms E865*, E876*.
Identifiers: ClinVar variation 5013864 (VCV005013864.1).
Genomic context (GRCh38, chr11:77,180,413, plus strand): 5'-CTGGATGCCCCCTTCCCTCAGTATCTGTGGCGCCTCGAGGCTGAGAAAATGCGGCTGGCG[G>T]AGGAAGAGAAGCTTCGGAAGGAGATGAGCGCCAAGAAGGCCAAGGAGGAGGCCGAGCGCA-3'